The following is an entry in ClinVar:

ClinVar aggregate classification (germline): Uncertain significance. Review status: criteria provided, multiple submitters, no conflicts (2 of 4 stars). 2 submissions from 2 submitters: Uncertain significance (2). Last evaluated 2022-06-05.

Conditions:
Cataract 6 multiple types. Also called: CATARACT 6, CONGENITAL TOTAL; CATARACT 6, POSTERIOR POLAR; CATARACT, AGE-RELATED CORTICAL, 2. Identifiers: Orphanet 91492, MedGen C1861825, MONDO:0007288, OMIM 116600.

Allele frequency attached by ClinVar (database versions not stated): ExAC 0.00005; TOPMed 0.00001; gnomAD 0.00001.
gnomAD v4.1: 56 of 1,610,710 alleles (0.0035%); highest among the groups gnomAD compares: Middle Eastern, 0.016%; no homozygotes.

Submissions (2):

Labcorp Genetics (formerly Invitae), Labcorp
Classification: Uncertain significance for Cataract 6 multiple types. Last evaluated: 2022-06-05. Review status: criteria provided, single submitter. Criteria: Invitae Variant Classification Sherloc (09022015). Collection method: clinical testing. Allele origin: germline.
Comment: Advanced modeling of protein sequence and biophysical properties (such as structural, functional, and spatial information, amino acid conservation, physicochemical variation, residue mobility, and thermodynamic stability) performed at Invitae indicates that this missense variant is not expected to disrupt EPHA2 protein function. In summary, the available evidence is currently insufficient to determine the role of this variant in disease. Therefore, it has been classified as a Variant of Uncertain Significance. ClinVar contains an entry for this variant (Variation ID: 873976). This variant has not been reported in the literature in individuals affected with EPHA2-related conditions. This variant is present in population databases (rs759687964, gnomAD 0.008%). This sequence change replaces arginine, which is basic and polar, with histidine, which is basic and polar, at codon 175 of the EPHA2 protein (p.Arg175His).

Illumina Laboratory Services, Illumina
Classification: Uncertain significance for Cataract 6 multiple types. Last evaluated: 2017-04-27. Review status: criteria provided, single submitter. Criteria: ICSL Variant Classification Criteria 13 December 2019. Collection method: clinical testing. Allele origin: germline.

NM_004431.5(EPHA2):c.524G>A (p.Arg175His)

Gene: EPHA2 (EPH receptor A2; minus strand). Cytogenetic location: 1p36.13.
Variant type: single nucleotide variant.
Coding change: c.524G>A on transcript NM_004431.5 (MANE Select); coding-DNA position 524, G replaced by A.
Protein change: p.Arg175His; replaces arginine 175 with histidine.
Molecular consequence: missense variant.
Genome position (GRCh38, 1-based): chr1:16,148,677, C>T on the plus strand (G>A on the coding strand, the complement: EPHA2 is on the minus strand). VCF-style: chr1-16148677-C-T. GRCh37 (hg19) VCF-style: chr1-16475172-C-T.
Other names: c.362G>A, p.Arg121His (NM_001329090.2); short protein forms R175H, R121H.
Identifiers: ClinVar variation 873976 (VCV000873976.12), dbSNP rs759687964, ClinGen allele CA625494.